The following is an entry in ClinVar:

NM_000660.7(TGFB1):c.1097T>C (p.Ile366Thr)

Gene: TGFB1 (transforming growth factor beta 1; minus strand). Cytogenetic location: 19q13.2.
Variant type: single nucleotide variant.
Coding change: c.1097T>C on transcript NM_000660.7 (MANE Select); coding-DNA position 1097, T replaced by C.
Protein change: p.Ile366Thr; replaces isoleucine 366 with threonine.
Molecular consequence: missense variant.
Genome position (GRCh38, 1-based): chr19:41,331,128, A>G on the plus strand (T>C on the coding strand, the complement: TGFB1 is on the minus strand). VCF-style: chr19-41331128-A-G. GRCh37 (hg19) VCF-style: chr19-41837033-A-G.
Other names: short protein forms I366T.
Identifiers: ClinVar variation 4741220 (VCV004741220.1).

ClinVar aggregate classification (germline): Uncertain significance (1 of 4 stars; one submission).

Submission:

Labcorp Genetics (formerly Invitae), Labcorp
Classification: Uncertain significance. Last evaluated: 2025-04-17. Review status: criteria provided, single submitter. Criteria: Invitae Variant Classification Sherloc (09022015). Collection method: clinical testing. Allele origin: germline.
Comment: This sequence change replaces isoleucine, which is neutral and non-polar, with threonine, which is neutral and polar, at codon 366 of the TGFB1 protein (p.Ile366Thr). This variant is not present in population databases (gnomAD no frequency). This variant has not been reported in the literature in individuals affected with TGFB1-related conditions. Invitae Evidence Modeling of protein sequence and biophysical properties (such as structural, functional, and spatial information, amino acid conservation, physicochemical variation, residue mobility, and thermodynamic stability) indicates that this missense variant is expected to disrupt TGFB1 protein function with a positive predictive value of 80%. In summary, the available evidence is currently insufficient to determine the role of this variant in disease. Therefore, it has been classified as a Variant of Uncertain Significance.